The following is an entry in ClinVar:

NM_001267550.2(TTN):c.36097del (p.Arg12033fs)

Gene: TTN (titin; minus strand). Cytogenetic location: 2q31.2.
Variant type: Deletion.
Coding change: c.36097del on transcript NM_001267550.2 (MANE Select); coding-DNA position 36097, one base deleted (A; older notation c.36097delA).
Protein change: p.Arg12033fs; shifts the reading frame from arginine 12033.
Molecular consequence: frameshift variant. On other transcripts: intron variant (5).
Genome position (GRCh38, 1-based): chr2:178,664,873, T deleted on the plus strand (A on the coding strand, the reverse complement: TTN is on the minus strand); the first of 7 consecutive T bases (chr2:178,664,873-178,664,879); deleting any one gives the same sequence. VCF-style (leftmost placement, unchanged base first): chr2-178664872-CT-C. GRCh37 (hg19) VCF-style: chr2-179529599-CT-C.
Other names: c.13283-22556del (NM_003319.4); c.13859-22556del (NM_133437.4); c.13658-22556del (NM_133432.3); c.31484-1818del (NM_133378.4); c.34265-1818del (NM_001256850.1); short protein forms R12033fs.
Identifiers: ClinVar variation 1487445 (VCV001487445.6), dbSNP rs769704822, ClinGen allele CA1997663.
Genomic context (GRCh38, chr2:178,664,872, plus strand): 5'-AAGAGCTAGTTCTTGACCCTGAGAGCATGGTGACTTGTACCTTTAACTGATGGGGGTTCT[CT>C]TTTTTTGGAAGGAACTGTCTTGGCAGGAATAATTTCTTGAGGAGCTTCGGGCGCTTGAAA-3'

ClinVar aggregate classification (germline): Likely pathogenic (1 of 4 stars; one submission).

Conditions:
Dilated cardiomyopathy 1G (CMD1G). Identifiers: Orphanet 154, MedGen C1858763, MONDO:0011400, OMIM 604145.
Autosomal recessive limb-girdle muscular dystrophy type 2J (LGMDR10). Also called: Limb-girdle muscular dystrophy, type 2J; MUSCULAR DYSTROPHY, LIMB-GIRDLE, AUTOSOMAL RECESSIVE 10. Identifiers: Orphanet 140922, MedGen C1837342, MONDO:0012127, OMIM 608807.

Submission:

Labcorp Genetics (formerly Invitae), Labcorp
Classification: Likely pathogenic for Dilated cardiomyopathy 1G; Autosomal recessive limb-girdle muscular dystrophy type 2J. Last evaluated: 2024-10-18. Review status: criteria provided, single submitter. Criteria: Invitae Variant Classification Sherloc (09022015). Collection method: clinical testing. Allele origin: germline.
Comment: This sequence change creates a premature translational stop signal (p.Arg12033Glufs*125) in the TTN gene. While this is not anticipated to result in nonsense mediated decay, it is expected to create a truncated TTN protein. The frequency data for this variant in the population databases is considered unreliable, as metrics indicate poor data quality at this position in the gnomAD database. This variant has not been observed in the literature in individuals with autosomal recessive TTN-related conditions. This variant has been reported in individual(s) with autosomal dominant dilated cardiomyopathy (internal data); however, the role of the variant in this condition is currently unclear. ClinVar contains an entry for this variant (Variation ID: 1487445). This variant is located in the I band of TTN (PMID: 25589632). Truncating variants in this region have been reported in individuals affected with autosomal recessive centronuclear myopathy (PMID: 23975875, internal data). Truncating variants in this region have also been identified in individuals affected with autosomal dominant dilated cardiomyopathy and/or cardio-related conditions (PMID: 27869827, 32964742, internal data). In summary, the currently available evidence indicates that the variant is pathogenic, but additional data are needed to prove that conclusively. Therefore, this variant has been classified as Likely Pathogenic.

Literature cited by the submitters: PubMed 25589632; PubMed 23975875; PubMed 27869827; PubMed 32964742.